The following is an entry in ClinVar:

ClinVar aggregate classification (germline): Likely benign (1 of 4 stars; one submission).

gnomAD v4.1: 25 of 1,217,820 alleles (0.0021%); highest among the groups gnomAD compares: African/African-American, 0.038%; no homozygotes.

Submission:

Mayo Clinic Laboratories, Mayo Clinic
Classification: Likely benign. Last evaluated: 2025-06-09. Review status: criteria provided, single submitter. Criteria: ACMG Guidelines, 2015. Collection method: clinical testing. Allele origin: germline. Observed: 1 variant allele.
Comment: BP4, BP7, PM2_supporting

NM_000263.4(NAGLU):c.-9A>G

Genes: NAGLU (N-acetyl-alpha-glucosaminidase; plus strand), LOC130060903 (ATAC-STARR-seq lymphoblastoid silent region 8533; plus strand). Cytogenetic location: 17q21.2.
Variant type: single nucleotide variant.
Coding change: c.-9A>G on transcript NM_000263.4 (MANE Select); 9 bases upstream of the start codon, A replaced by G.
Molecular consequence: 5 prime UTR variant.
Genome position (GRCh38, 1-based): chr17:42,536,264, A>G. VCF-style: chr17-42536264-A-G. GRCh37 (hg19) VCF-style: chr17-40688282-A-G.
Identifiers: ClinVar variation 4684213 (VCV004684213.1).